The following is an entry in ClinVar:

ClinVar aggregate classification (germline): Uncertain significance (1 of 4 stars; one submission).

Conditions:
Long QT syndrome (LQTS). Identifiers: MedGen C0023976, MeSH D008133, MONDO:0002442. Disease mechanism: loss of function. Inheritance: Various modes of inheritance.

Allele frequency attached by ClinVar (database versions not stated): TOPMed 0.00001.
gnomAD v4.1: 5 of 1,410,322 alleles (0.00035%); highest among the groups gnomAD compares: African/African-American, 0.003%; no homozygotes.

Submission:

Labcorp Genetics (formerly Invitae), Labcorp
Classification: Uncertain significance for Long QT syndrome. Last evaluated: 2023-02-20. Review status: criteria provided, single submitter. Criteria: Invitae Variant Classification Sherloc (09022015). Collection method: clinical testing. Allele origin: germline.
Comment: This sequence change replaces proline, which is neutral and non-polar, with arginine, which is basic and polar, at codon 67 of the KCNQ1 protein (p.Pro67Arg). This variant is not present in population databases (gnomAD no frequency). This variant has not been reported in the literature in individuals affected with KCNQ1-related conditions. Advanced modeling of protein sequence and biophysical properties (such as structural, functional, and spatial information, amino acid conservation, physicochemical variation, residue mobility, and thermodynamic stability) performed at Invitae indicates that this missense variant is not expected to disrupt KCNQ1 protein function. In summary, the available evidence is currently insufficient to determine the role of this variant in disease. Therefore, it has been classified as a Variant of Uncertain Significance.

NM_000218.3(KCNQ1):c.200C>G (p.Pro67Arg)

Gene: KCNQ1 (potassium voltage-gated channel subfamily Q member 1; plus strand). Cytogenetic location: 11p15.5.
Variant type: single nucleotide variant.
Coding change: c.200C>G on transcript NM_000218.3 (MANE Select); coding-DNA position 200, C replaced by G.
Protein change: p.Pro67Arg; replaces proline 67 with arginine.
Molecular consequence: missense variant. On other transcripts: 5 prime UTR variant (1).
Genome position (GRCh38, 1-based): chr11:2,445,298, C>G. VCF-style: chr11-2445298-C-G. GRCh37 (hg19) VCF-style: chr11-2466528-C-G.
Other names: c.200C>G, p.Pro67Arg (NM_001406836.1, NM_001406838.1); c.-163C>G (NM_001406837.1); short protein forms P67R.
Identifiers: ClinVar variation 2741426 (VCV002741426.3), dbSNP rs765913607, ClinGen allele CA379116648.
Genomic context (GRCh38, chr11:2,445,298, plus strand): 5'-GCGGCGCGCTCTACGCGCCCATCGCGCCCGGCGCCCCAGGTCCCGCGCCCCCTGCGTCCC[C>G]GGCCGCGCCCGCCGCGCCCCCAGTTGCCTCCGACCTTGGCCCGCGGCCGCCGGTGAGCCT-3'
Protein context (NP_000209.2, residues 57-77): GAPGPAPPAS[Pro67Arg]AAPAAPPVAS